The following is an entry in ClinVar:

ClinVar aggregate classification (germline): Uncertain significance (1 of 4 stars; one submission).

Conditions:
Hereditary cancer-predisposing syndrome. Also called: Neoplastic Syndromes, Hereditary; Hereditary Cancer Syndrome; Hereditary neoplastic syndrome; Tumor predisposition. Identifiers: Orphanet 140162, MedGen C0027672, MeSH D009386, MONDO:0015356.

Submission:

Ambry Genetics
Classification: Uncertain significance for Hereditary cancer-predisposing syndrome. Last evaluated: 2023-06-04. Review status: criteria provided, single submitter. Criteria: Ambry Variant Classification Scheme 2023. Collection method: clinical testing. Allele origin: germline.
Comment: The p.M492I variant (also known as c.1476G>A), located in coding exon 4 of the MSH6 gene, results from a G to A substitution at nucleotide position 1476. The methionine at codon 492 is replaced by isoleucine, an amino acid with highly similar properties. This amino acid position is highly conserved in available vertebrate species. In addition, the in silico prediction for this alteration is inconclusive. Since supporting evidence is limited at this time, the clinical significance of this alteration remains unclear.

NM_000179.3(MSH6):c.1476G>A (p.Met492Ile)

Gene: MSH6 (mutS homolog 6; plus strand). Cytogenetic location: 2p16.3.
Variant type: single nucleotide variant.
Coding change: c.1476G>A on transcript NM_000179.3 (MANE Select); coding-DNA position 1476, G replaced by A.
Protein change: p.Met492Ile; replaces methionine 492 with isoleucine.
Molecular consequence: missense variant. On other transcripts: non-coding transcript variant (4), intron variant (1).
Genome position (GRCh38, 1-based): chr2:47,799,459, G>A. VCF-style: chr2-47799459-G-A. GRCh37 (hg19) VCF-style: chr2-48026598-G-A.
Other names: c.1086G>A, p.Met362Ile (NM_001281492.2); c.570G>A, p.Met190Ile (NM_001281493.2, NM_001281494.2, NM_001406811.1 and 6 more transcripts); c.1572G>A, p.Met524Ile (NM_001406795.1, NM_001406802.1); c.1476G>A, p.Met492Ile (NM_001406796.1, NM_001406798.1, NM_001406800.1 and 4 more transcripts); c.1179G>A, p.Met393Ile (NM_001406797.1, NM_001406801.1, NM_001406805.1 and 10 more transcripts); c.951G>A, p.Met317Ile (NM_001406799.1, NM_001406806.1, NM_001406807.1); c.1398G>A, p.Met466Ile (NM_001406804.1); c.1482G>A, p.Met494Ile (NM_001406813.1); and 2 more; short protein forms M190I, M317I, M492I, M494I, M436I, M362I, M393I, M466I.
Identifiers: ClinVar variation 2561267 (VCV002561267.2), dbSNP rs1572723130, ClinGen allele CA346745967.